The following is an entry in ClinVar:

ClinVar aggregate classification (germline): Pathogenic (1 of 4 stars; one submission).

Submission:

Labcorp Genetics (formerly Invitae), Labcorp
Classification: Pathogenic. Last evaluated: 2023-11-12. Review status: criteria provided, single submitter. Criteria: Invitae Variant Classification Sherloc (09022015). Collection method: clinical testing. Allele origin: germline.
Comment: This variant is a gross deletion of the genomic region encompassing exon(s) 6-7 of the PAFAH1B1 gene. This deletion is out-of-frame, and is expected to create a premature termination codon and result in an absent or disrupted protein product. Loss-of-function variants in PAFAH1B1 are known to be pathogenic (PMID: 1671808, 11115846, 14581661). A similar copy number variant has been observed in individuals with lissencephaly (PMID: 26494205, 29671837). For these reasons, this variant has been classified as Pathogenic.

Literature cited by the submitters: PubMed 1671808; PubMed 11115846; PubMed 14581661; PubMed 26494205; PubMed 29671837.

NC_000017.10:g.(?_2573437)_(2576071_?)del

Gene: PAFAH1B1 (platelet activating factor acetylhydrolase 1b regulatory subunit 1; plus strand). Cytogenetic location: 17p13.3.
Variant type: Deletion.
Identifiers: ClinVar variation 2423075 (VCV002423075.4).